The following is an entry in ClinVar:

NM_032608.7(MYO18B):c.5433G>C (p.Leu1811Phe)

Gene: MYO18B (myosin XVIIIB; plus strand). Cytogenetic location: 22q12.1.
Variant type: single nucleotide variant.
Coding change: c.5433G>C on transcript NM_032608.7 (MANE Select); coding-DNA position 5433, G replaced by C.
Protein change: p.Leu1811Phe; replaces leucine 1811 with phenylalanine.
Molecular consequence: missense variant.
Genome position (GRCh38, 1-based): chr22:25,921,325, G>C. VCF-style: chr22-25921325-G-C. GRCh37 (hg19) VCF-style: chr22-26317292-G-C.
Other names: c.5436G>C, p.Leu1812Phe (NM_001318245.2); short protein forms L1812F, L1811F.
Identifiers: ClinVar variation 2133100 (VCV002133100.1), dbSNP rs1483953509, ClinGen allele CA411005349.

ClinVar aggregate classification (germline): Uncertain significance (1 of 4 stars; one submission).

Allele frequency attached by ClinVar (database versions not stated): TOPMed below 0.00001.
gnomAD v4.1: 1 of 1,573,928 alleles (0.000064%); highest among the groups gnomAD compares: Admixed American, 0.0019%; no homozygotes.

Submission:

Labcorp Genetics (formerly Invitae), Labcorp
Classification: Uncertain significance. Last evaluated: 2022-05-03. Review status: criteria provided, single submitter. Criteria: Invitae Variant Classification Sherloc (09022015). Collection method: clinical testing. Allele origin: germline.
Comment: This sequence change replaces leucine, which is neutral and non-polar, with phenylalanine, which is neutral and non-polar, at codon 1811 of the MYO18B protein (p.Leu1811Phe). The frequency data for this variant in the population databases is considered unreliable, as metrics indicate poor data quality at this position in the gnomAD database. This variant has not been reported in the literature in individuals affected with MYO18B-related conditions. Algorithms developed to predict the effect of missense changes on protein structure and function are either unavailable or do not agree on the potential impact of this missense change (SIFT: "Not Available"; PolyPhen-2: "Probably Damaging"; Align-GVGD: "Not Available"). In summary, the available evidence is currently insufficient to determine the role of this variant in disease. Therefore, it has been classified as a Variant of Uncertain Significance.